The following is an entry in ClinVar:

ClinVar aggregate classification (germline): Benign. Review status: criteria provided, multiple submitters, no conflicts (2 of 4 stars). 2 submissions from 2 submitters: Benign (2). Last evaluated 2025-03-04.

Submissions (2):

Center for Genomic Medicine, Rigshospitalet, Copenhagen University Hospital
Classification: Benign. Last evaluated: 2025-03-04. Review status: criteria provided, single submitter. Criteria: ACMG Guidelines, 2015. Collection method: clinical testing. Allele origin: germline.

Mayo Clinic Laboratories, Mayo Clinic
Classification: Benign. Last evaluated: 2024-02-13. Review status: criteria provided, single submitter. Criteria: ACMG Guidelines, 2015. Collection method: clinical testing. Allele origin: germline. Observed: 6 variant alleles.
Comment: BS1, BS2, BP4

Literature cited by the submitters: PubMed 20959442 (cited by Mayo Clinic Laboratories, Mayo Clinic).

NM_080732.4(EGLN2):c.173C>T (p.Ser58Leu)

Genes: EGLN2 (egl-9 family hypoxia inducible factor 2; plus strand), RAB4B-EGLN2 (RAB4B-EGLN2 readthrough (NMD candidate); plus strand). Cytogenetic location: 19q13.2.
Variant type: single nucleotide variant.
Coding change: c.173C>T on transcript NM_080732.4 (MANE Select); coding-DNA position 173, C replaced by T.
Protein change: p.Ser58Leu; replaces serine 58 with leucine.
Molecular consequence: missense variant. On other transcripts: non-coding transcript variant (1).
Genome position (GRCh38, 1-based): chr19:40,800,745, C>T. VCF-style: chr19-40800745-C-T. GRCh37 (hg19) VCF-style: chr19-41306650-C-T.
Other names: p.Ser58Leu; c.173C>T, p.Ser58Leu (NM_053046.4); short protein forms S58L.
Identifiers: ClinVar variation 3256207 (VCV003256207.3).